The following is an entry in ClinVar:

NM_177438.3(DICER1):c.920G>A (p.Arg307His)

Gene: DICER1 (dicer 1, ribonuclease III; minus strand). Cytogenetic location: 14q32.13.
Variant type: single nucleotide variant.
Coding change: c.920G>A on transcript NM_177438.3 (MANE Select); coding-DNA position 920, G replaced by A.
Protein change: p.Arg307His; replaces arginine 307 with histidine.
Molecular consequence: missense variant.
Genome position (GRCh38, 1-based): chr14:95,124,652, C>T on the plus strand (G>A on the coding strand, the complement: DICER1 is on the minus strand). VCF-style: chr14-95124652-C-T. GRCh37 (hg19) VCF-style: chr14-95590989-C-T.
Other names: c.920G>A, p.Arg307His (NM_001195573.1, NM_001271282.3, NM_001291628.2 and 1 more transcripts); short protein forms R307H.
Identifiers: ClinVar variation 242153 (VCV000242153.22), dbSNP rs149718671, ClinGen allele CA7331544.
Genomic context (GRCh38, chr14:95,124,652, plus strand): 5'-CTTACCATCATTCCAGCTACTTTATCTGCACACCAGGGTCCCAGAACTACCAATACGGCA[C>T]GACAGTCTGATAGTATCTACAAAAAAAAGAAAAGAAAAAACCTAATGCCAAATAATAATA-3'
Protein context (NP_803187.1, residues 297-317): LISKQILSDC[Arg307His]AVLVVLGPWC

ClinVar aggregate classification (germline): Conflicting classifications of pathogenicity. Review status: criteria provided, conflicting classifications (1 of 4 stars). 6 submissions from 6 submitters: Uncertain significance (3); Likely benign (2). 1 of the submissions does not count toward it. Last evaluated 2026-01-31.

Conditions:
DICER1-related disorder. Also called: DICER1-related condition.
Hereditary cancer-predisposing syndrome. Also called: Neoplastic Syndromes, Hereditary; Tumor predisposition; Hereditary neoplastic syndrome; Hereditary Cancer Syndrome. Identifiers: Orphanet 140162, MedGen C0027672, MeSH D009386, MONDO:0015356.
Euthyroid goiter (MNG1). Also called: Goiter, multinodular 1, with or without Sertoli-Leydig cell tumors; GOITER, NONTOXIC, WITH INTRATHYROIDAL CALCIFICATION; MULTINODULAR GOITER, ADOLESCENT; SIMPLE GOITER. Identifiers: Orphanet 276399, MedGen C0302859, MONDO:0007681, OMIM 138800, HP:0009798.
Rhabdomyosarcoma, embryonal, 2 (RMSE2). Identifiers: MedGen C1867234, MONDO:0859046, OMIM 180295.
Pleuropulmonary blastoma (PPB). Identifiers: Orphanet 64742, MedGen C1266144, MONDO:0011014, OMIM 601200, HP:0100528.
Global developmental delay - lung cysts - overgrowth - Wilms tumor syndrome. Also called: GLOBAL DEVELOPMENTAL DELAY, LUNG CYSTS, OVERGROWTH, AND WILMS TUMOR; GLOW Syndrome. Identifiers: Orphanet 404476, MedGen C4748924, MONDO:0018445, OMIM 618272.
DICER1-related tumor predisposition. Also called: DICER1 syndrome; DICER1-related pleuropulmonary blastoma cancer predisposition syndrome. Identifiers: Orphanet 284343, MedGen C3839822, MONDO:0100216.

Allele frequency attached by ClinVar (database versions not stated): gnomAD 0.00001; gnomAD exomes 0.00002 and 0.00003; TOPMed 0.00002; ExAC 0.00003; ESP Exome Variant Server 0.00015.
gnomAD v4.1: 46 of 1,612,964 alleles (0.0029%); highest among the groups gnomAD compares: Non-Finnish European, 0.0035%; no homozygotes.

Submissions (6):

Labcorp Genetics (formerly Invitae), Labcorp
Classification: Likely benign for DICER1-related tumor predisposition. Last evaluated: 2026-01-31. Review status: criteria provided, single submitter. Criteria: Invitae Variant Classification Sherloc (09022015). Collection method: clinical testing. Allele origin: germline.

GeneDx
Classification: Uncertain significance. Last evaluated: 2024-03-12. Review status: criteria provided, single submitter. Criteria: GeneDx Variant Classification Process June 2021. Collection method: clinical testing. Allele origin: germline. Affected: yes.
Comment: Not observed at significant frequency in large population cohorts (gnomAD); In silico analysis supports that this missense variant does not alter protein structure/function; Has not been previously published as pathogenic or benign to our knowledge; This variant is associated with the following publications: (PMID: 28748527)

Ambry Genetics
Classification: Likely benign for Hereditary cancer-predisposing syndrome. Last evaluated: 2023-12-26. Review status: criteria provided, single submitter. Criteria: Ambry Variant Classification Scheme 2023. Collection method: clinical testing. Allele origin: germline.

Baylor Genetics
Classification: Uncertain significance for Global developmental delay - lung cysts - overgrowth - Wilms tumor syndrome. Last evaluated: 2023-10-19. Review status: criteria provided, single submitter. Criteria: ACMG Guidelines, 2015. Collection method: clinical testing. Allele origin: unknown.

Fulgent Genetics
Classification: Uncertain significance for Euthyroid goiter; Rhabdomyosarcoma, embryonal, 2; Pleuropulmonary blastoma; Global developmental delay - lung cysts - overgrowth - Wilms tumor syndrome. Last evaluated: 2021-08-18. Review status: criteria provided, single submitter. Criteria: ACMG Guidelines, 2015. Collection method: clinical testing. Allele origin: unknown.

PreventionGenetics, part of Exact Sciences
Classification: Uncertain significance for DICER1-related condition. Last evaluated: 2024-09-12. Review status: no assertion criteria provided. Collection method: clinical testing. Allele origin: germline. Not counted in ClinVar's aggregate classification.
Comment: The DICER1 c.920G>A variant is predicted to result in the amino acid substitution p.Arg307His. To our knowledge, this variant has not been reported in the literature. This variant is reported in 0.0063% of alleles in individuals of African descent in gnomAD. This variant has conflicting interpretations regarding its pathogenicity in ClinVar, ranging from likely benign to uncertain. At this time, the clinical significance of this variant is uncertain due to the absence of conclusive functional and genetic evidence.